The following is an entry in ClinVar:

NM_001164586.2(IGFN1):c.9249G>A (p.Arg3083=)

Gene: IGFN1 (immunoglobulin like and fibronectin type III domain containing 1; plus strand). Cytogenetic location: 1q32.1.
Variant type: single nucleotide variant.
Coding change: c.9249G>A on transcript NM_001164586.2 (MANE Select); coding-DNA position 9249, G replaced by A.
Protein change: p.Arg3083=; no amino-acid change (arginine 3083 retained).
Molecular consequence: synonymous variant.
Genome position (GRCh38, 1-based): chr1:201,215,792, G>A. VCF-style: chr1-201215792-G-A. GRCh37 (hg19) VCF-style: chr1-201184920-G-A.
Other names: c.1878G>A, p.Arg626= (NM_001367841.1).
Identifiers: ClinVar variation 2639770 (VCV002639770.24), dbSNP rs147927799, ClinGen allele CA1323192.
Genomic context (GRCh38, chr1:201,215,792, plus strand): 5'-GCGGCTGTGCCTCCCCAGCGCAGGCAGGAAGGACTGTGGCCAGTACAGCGTGACACTGAG[G>A]AGTGAGGGAGGCTCTGTGCAGGCCGAGCTCACTCTGCAAGTCATAGGTACCAGCCCTGTC-3'
Protein context (NP_001158058.1, residues 3073-3093): KDCGQYSVTL[Arg3083=]SEGGSVQAEL

ClinVar aggregate classification (germline): Likely benign (1 of 4 stars; one submission).

Allele frequency attached by ClinVar (database versions not stated): 1000 Genomes Project 0.00060; 1000 Genomes Project 30x 0.00062; gnomAD 0.00129; ESP Exome Variant Server 0.00138; ExAC 0.00145.
gnomAD v4.1: 2,134 of 1,598,248 alleles (0.13%); highest among the groups gnomAD compares: Middle Eastern, 0.77%; 9 homozygotes.

Submission:

CeGaT Center for Human Genetics Tuebingen
Classification: Likely benign. Last evaluated: 2025-08-01. Review status: criteria provided, single submitter. Criteria: CeGaT Center For Human Genetics Tuebingen Variant Classification Criteria Version 2. Collection method: clinical testing. Allele origin: germline. Affected: yes. Observed: 3 variant alleles.
Comment: IGFN1: BP4, BP7